The following is an entry in ClinVar:

ClinVar aggregate classification (germline): Uncertain significance (1 of 4 stars; one submission).

Conditions:
Neurodevelopmental disorder with or without early-onset generalized epilepsy. Identifiers: MedGen C5436914, MONDO:0030930, OMIM 619157.

Submission:

Juno Genomics, Hangzhou Juno Genomics, Inc
Classification: Uncertain significance for Neurodevelopmental disorder with or without early-onset generalized epilepsy. Review status: criteria provided, single submitter. Criteria: ACMG Guidelines, 2015. Collection method: clinical testing. Allele origin: germline.
Comment: Absent from controls (or at extremely low frequency if recessive) in Genome Aggregation Database.;Missense variant in a gene that has a low rate of benign missense variation.

NM_001385012.1(NBEA):c.854C>G (p.Thr285Ser)

Gene: NBEA (neurobeachin; plus strand). Cytogenetic location: 13q13.3.
Variant type: single nucleotide variant.
Coding change: c.854C>G on transcript NM_001385012.1 (MANE Select); coding-DNA position 854, C replaced by G.
Protein change: p.Thr285Ser; replaces threonine 285 with serine.
Molecular consequence: missense variant.
Genome position (GRCh38, 1-based): chr13:35,050,277, C>G. VCF-style: chr13-35050277-C-G. GRCh37 (hg19) VCF-style: chr13-35624414-C-G.
Other names: c.854C>G, p.Thr285Ser (NM_001379245.1, NM_015678.5); short protein forms T285S.
Identifiers: ClinVar variation 5005243 (VCV005005243.2).